The following is an entry in ClinVar:

NM_004415.4(DSP):c.6259T>C (p.Tyr2087His)

Gene: DSP (desmoplakin; plus strand). Cytogenetic location: 6p24.3.
Variant type: single nucleotide variant.
Coding change: c.6259T>C on transcript NM_004415.4 (MANE Select); coding-DNA position 6259, T replaced by C.
Protein change: p.Tyr2087His; replaces tyrosine 2087 with histidine.
Molecular consequence: missense variant.
Genome position (GRCh38, 1-based): chr6:7,583,521, T>C. VCF-style: chr6-7583521-T-C. GRCh37 (hg19) VCF-style: chr6-7583754-T-C.
Other names: p.Y2087H:TAT>CAT; c.6259T>C (LRG_423t1); c.4462T>C, p.Tyr1488His (NM_001008844.3); c.4930T>C, p.Tyr1644His (NM_001319034.2); short protein forms Y2087H, Y1488H, Y1644H.
Identifiers: ClinVar variation 199938 (VCV000199938.8), dbSNP rs780332266, ClinGen allele CA006794.

ClinVar aggregate classification (germline): Uncertain significance. Review status: criteria provided, multiple submitters, no conflicts (2 of 4 stars). 3 submissions from 3 submitters: Uncertain significance (3). Last evaluated 2025-09-29.

Conditions:
Arrhythmogenic cardiomyopathy with wooly hair and keratoderma. Also called: Carvajal syndrome; Dilated cardiomyopathy with woolly hair and keratoderma; Arrhythmogenic cardiomyopathy with woolly hair and keratoderma; PALMOPLANTAR KERATODERMA WITH LEFT VENTRICULAR CARDIOMYOPATHY AND WOOLLY HAIR. Identifiers: Orphanet 65282, MedGen C1854063, MONDO:0011581, OMIM 605676.
Arrhythmogenic right ventricular dysplasia 8 (ARVD8). Also called: Arrhythmogenic Right Ventricular Dysplasia/Cardiomyopathy 8; ARRHYTHMOGENIC RIGHT VENTRICULAR CARDIOMYOPATHY 8; ARRHYTHMOGENIC RIGHT VENTRICULAR DYSPLASIA, FAMILIAL, 8. Identifiers: MedGen C1843896, MONDO:0011831, OMIM 607450.
Cardiomyopathy (CMYO). Also called: Cardiomyopathies. Identifiers: Orphanet 167848, MedGen C0878544, MONDO:0004994, HP:0001638. Inheritance: Various modes of inheritance.

Allele frequency attached by ClinVar (database versions not stated): gnomAD exomes below 0.00001; ExAC 0.00001; gnomAD 0.00001; TOPMed 0.00001.

Submissions (3):

Color Diagnostics, LLC DBA Color Health
Classification: Uncertain significance for Cardiomyopathy. Last evaluated: 2025-09-29. Review status: criteria provided, single submitter. Criteria: ACMG Guidelines, 2015. Collection method: clinical testing. Allele origin: germline.
Comment: This missense variant replaces tyrosine with histidine at codon 2087 of the DSP protein. Computational prediction suggests that this variant may not impact protein structure and function. To our knowledge, functional studies have not been reported for this variant. This variant has not been reported in individuals affected with DSP-related disorders in the literature. This variant has been identified in 5/1613988 chromosomes in the general population by the Genome Aggregation Database (gnomAD). The available evidence is insufficient to determine the role of this variant in disease conclusively. Therefore, this variant is classified as a Variant of Uncertain Significance.

Labcorp Genetics (formerly Invitae), Labcorp
Classification: Uncertain significance for Arrhythmogenic cardiomyopathy with wooly hair and keratoderma; Arrhythmogenic right ventricular dysplasia 8. Last evaluated: 2024-11-27. Review status: criteria provided, single submitter. Criteria: Invitae Variant Classification Sherloc (09022015). Collection method: clinical testing. Allele origin: germline.
Comment: This sequence change replaces tyrosine, which is neutral and polar, with histidine, which is basic and polar, at codon 2087 of the DSP protein (p.Tyr2087His). This variant is not present in population databases (gnomAD no frequency). This variant has not been reported in the literature in individuals affected with DSP-related conditions. ClinVar contains an entry for this variant (Variation ID: 199938). An algorithm developed to predict the effect of missense changes on protein structure and function (PolyPhen-2) suggests that this variant is likely to be disruptive. In summary, the available evidence is currently insufficient to determine the role of this variant in disease. Therefore, it has been classified as a Variant of Uncertain Significance.

GeneDx
Classification: Uncertain significance. Last evaluated: 2014-09-04. Review status: criteria provided, single submitter. Criteria: GeneDx Variant Classification (06012015). Collection method: clinical testing. Allele origin: germline. Affected: yes.
Comment: p.Tyr2087His (TAT>CAT): c.6259 T>C in exon 24 of the DSP gene (NM_004415.2). The Y2087H variant has not been published as a mutation, nor has it been reported as a benign polymorphism to our knowledge. The Y2087H variant was not observed in approximately 6,500 individuals of European and African American ancestry in the NHLBI Exome Sequencing Project, indicating it is not a common benign variant in these populations. The Y2087H variant is a semi-conservative amino acid substitution, which may impact secondary protein structure as these residues differ in some properties. This substitution occurs at a position that is conserved within mammals. However, missense mutations in nearby residues have not been reported in the, indicating this region of the protein my tolerate change. In silico analysis is inconsistent in its predictions as to whether or not the variant is damaging to the protein structure/function. Therefore, based on the currently available information, it is unclear whether this variant is a pathogenic mutation or a rare benign variant. The variant is found in CARDIOMYOPATHY panel(s).